The following is an entry in ClinVar:

NM_001854.4(COL11A1):c.4971+295T>A

Gene: COL11A1 (collagen type XI alpha 1 chain; minus strand). Cytogenetic location: 1p21.1.
Variant type: single nucleotide variant.
Coding change: c.4971+295T>A on transcript NM_001854.4 (MANE Select); 295 bases into the intron after coding-DNA position 4971, T replaced by A.
Molecular consequence: intron variant.
Genome position (GRCh38, 1-based): chr1:102,882,904, A>T on the plus strand (T>A on the coding strand, the complement: COL11A1 is on the minus strand). VCF-style: chr1-102882904-A-T. GRCh37 (hg19) VCF-style: chr1-103348460-A-T.
Other names: c.4854+295T>A (NM_001190709.2); c.5007+295T>A (NM_080629.3); c.4623+295T>A (NM_080630.4).
Identifiers: ClinVar variation 681208 (VCV000681208.1), dbSNP rs3753844, ClinGen allele CA15104942.
Genomic context (GRCh38, chr1:102,882,904, plus strand): 5'-TTTGGGTGTAATATGCAGCTGTGAGGTCTCTGATGTGGTAATTGGGCAGAAGAACACTTT[A>T]GTGGCACTAAAATTTGAGATTCAGCTGTGCTGTGTCATGGAAATCCATAGAATTTTAGTG-3'

ClinVar aggregate classification (germline): Benign (1 of 4 stars; one submission).

Allele frequency attached by ClinVar (database versions not stated): gnomAD 0.12266 and 0.12778; TOPMed 0.12972; 1000 Genomes Project 30x 0.17255; 1000 Genomes Project 0.17692.
gnomAD v4.1: 19,340 of 152,196 alleles (13%); highest among the groups gnomAD compares: East Asian, 25%; 1,421 homozygotes.

Submission:

GeneDx
Classification: Benign. Last evaluated: 2018-06-14. Review status: criteria provided, single submitter. Criteria: GeneDx Variant Classification (06012015). Collection method: clinical testing. Allele origin: germline. Affected: yes.
Comment: This variant is considered likely benign or benign based on one or more of the following criteria: it is a conservative change, it occurs at a poorly conserved position in the protein, it is predicted to be benign by multiple in silico algorithms, and/or has population frequency not consistent with disease.